The following is an entry in ClinVar:

ClinVar aggregate classification (germline): Uncertain significance (1 of 4 stars; one submission).

Conditions:
Congenital muscular dystrophy due to integrin alpha-7 deficiency. Also called: MYOPATHY, CONGENITAL, DUE TO INTEGRIN ALPHA-7 DEFICIENCY; Muscular dystrophy, congenital, due to ITGA7 deficiency; Congenital muscular dystrophy with integrin alpha-7 deficiency. Identifiers: Orphanet 34520, MedGen C2750786, MONDO:0013177, OMIM 613204.

Allele frequency attached by ClinVar (database versions not stated): gnomAD exomes below 0.00001; TOPMed below 0.00001.
gnomAD v4.1: 1 of 1,613,758 alleles (0.000062%); highest among the groups gnomAD compares: Non-Finnish European, 0.000085%; no homozygotes.

Submission:

Labcorp Genetics (formerly Invitae), Labcorp
Classification: Uncertain significance for Congenital muscular dystrophy due to integrin alpha-7 deficiency. Last evaluated: 2022-10-05. Review status: criteria provided, single submitter. Criteria: Invitae Variant Classification Sherloc (09022015). Collection method: clinical testing. Allele origin: germline.
Comment: Algorithms developed to predict the effect of sequence changes on RNA splicing suggest that this variant may disrupt the consensus splice site. ClinVar contains an entry for this variant (Variation ID: 998442). This variant has not been reported in the literature in individuals affected with ITGA7-related conditions. This variant is present in population databases (no rsID available, gnomAD 0.007%). This sequence change falls in intron 17 of the ITGA7 gene. It does not directly change the encoded amino acid sequence of the ITGA7 protein. In summary, the available evidence is currently insufficient to determine the role of this variant in disease. Therefore, it has been classified as a Variant of Uncertain Significance.

NM_002206.3(ITGA7):c.2358-8C>G

Genes: ITGA7 (integrin subunit alpha 7; minus strand), LOC126861535 (CDK7 strongly-dependent group 2 enhancer GRCh37_chr12:56087579-56088778; plus strand). Cytogenetic location: 12q13.2.
Variant type: single nucleotide variant.
Coding change: c.2358-8C>G on transcript NM_002206.3 (MANE Select); 8 bases into the intron before coding-DNA position 2358, C replaced by G.
Molecular consequence: intron variant.
Genome position (GRCh38, 1-based): chr12:55,694,338, G>C on the plus strand (C>G on the coding strand, the complement: ITGA7 is on the minus strand). VCF-style: chr12-55694338-G-C. GRCh37 (hg19) VCF-style: chr12-56088122-G-C.
Other names: c.2079-8C>G (NM_001144997.2); c.2031-8C>G (NM_001367993.1); c.2019-8C>G (NM_001414035.1); c.2175-8C>G (NM_001414033.1); c.1014-8C>G (NM_001367994.1); c.2238-8C>G (NM_001414032.1); c.2271-8C>G (NM_001414031.1); c.2340-8C>G (NM_001374465.1); and 5 more.
Identifiers: ClinVar variation 998442 (VCV000998442.9), dbSNP rs1175401769, ClinGen allele CA605246812.